The following is an entry in ClinVar:

ClinVar aggregate classification (germline): Benign. Review status: criteria provided, multiple submitters, no conflicts (2 of 4 stars). 10 submissions from 10 submitters: Benign (10). Last evaluated 2026-02-04.

Conditions:
Renal carnitine transport defect (CDSP). Also called: CARNITINE DEFICIENCY, SYSTEMIC, DUE TO DEFECT IN RENAL REABSORPTION OF CARNITINE; CARNITINE TRANSPORTER, PLASMA-MEMBRANE, DEFICIENCY OF; CARNITINE UPTAKE DEFECT; Carnitine transporter deficiency; Carnitine Deficiency, Systemic; Systemic primary carnitine deficiency. Identifiers: Orphanet 158, MedGen C0342788, MONDO:0008919, OMIM 212140.

Allele frequency attached by ClinVar (database versions not stated): gnomAD exomes 1.00000.

Submissions (10):

Labcorp Genetics (formerly Invitae), Labcorp
Classification: Benign for Renal carnitine transport defect. Last evaluated: 2026-02-04. Review status: criteria provided, single submitter. Criteria: Invitae Variant Classification Sherloc (09022015). Collection method: clinical testing. Allele origin: germline.

Blueprint Genetics
Classification: Benign. Last evaluated: 2024-11-26. Review status: criteria provided, single submitter. Criteria: ACMG Guidelines, 2015. Collection method: clinical testing. Allele origin: germline.

Genome-Nilou Lab
Classification: Benign for Renal carnitine transport defect. Last evaluated: 2021-07-15. Review status: criteria provided, single submitter. Criteria: ACMG Guidelines, 2015. Collection method: clinical testing. Allele origin: germline. Affected: no.

Pars Genome Lab
Classification: Benign for Renal carnitine transport defect. Last evaluated: 2021-06-15. Review status: criteria provided, single submitter. Criteria: ACMG Guidelines, 2015. Collection method: clinical testing. Allele origin: germline. Affected: no.

ARUP Laboratories, Molecular Genetics and Genomics, ARUP Laboratories
Classification: Benign for Renal carnitine transport defect. Last evaluated: 2020-04-13. Review status: criteria provided, single submitter. Criteria: ARUP Molecular Germline Variant Investigation Process. Collection method: clinical testing. Allele origin: germline.

Illumina Laboratory Services, Illumina
Classification: Benign for Renal carnitine transport defect. Last evaluated: 2018-01-13. Review status: criteria provided, single submitter. Criteria: ICSL Variant Classification Criteria 13 December 2019. Collection method: clinical testing. Allele origin: germline.
Comment: This variant was observed in the ICSL laboratory as part of a predisposition screen in an ostensibly healthy population. It had not been previously curated by ICSL or reported in the Human Gene Mutation Database (HGMD: prior to June 1st, 2018), and was therefore a candidate for classification through an automated scoring system. Utilizing variant allele frequency, disease prevalence and penetrance estimates, and inheritance mode, an automated score was calculated to assess if this variant is too frequent to cause the disease. Based on the score and internal cut-off values, a variant classified as benign is not then subjected to further curation. The score for this variant resulted in a classification of benign for this disease.

Eurofins Ntd Llc (ga)
Classification: Benign. Last evaluated: 2017-12-07. Review status: criteria provided, single submitter. Criteria: EGL Classification Definitions 2015. Collection method: clinical testing. Allele origin: germline. Observed: 108 variant alleles, 1 heterozygote, 107 homozygotes.

Phosphorus, Inc.
Classification: Benign for Renal carnitine transport defect. Last evaluated: 2017-08-01. Review status: criteria provided, single submitter. Criteria: ACMG Guidelines, 2015. Collection method: clinical testing. Allele origin: germline. Observed: 23 variant alleles.

Women's Health and Genetics/Laboratory Corporation of America, LabCorp
Classification: Benign. Last evaluated: 2016-04-18. Review status: criteria provided, single submitter. Criteria: LabCorp Variant Classification Summary - May 2015. Collection method: clinical testing. Allele origin: germline.
Comment: Variant summary: The SLC22A5 c.652+6A>G variant affects a non-conserved intronic nucleotide. Mutation Taster predicts a polymorphism outcome for this variant, and 5/5 Alamut algorithms predict not significant change to splicing. This variant was found in homozygous state in all 121410 control chromosomes from ExAC suggesting that nucleotide G is the ancestral allele at this cDNA position. Additionally, this variant has been reported to co-occur in a CDSP patient with potentially pathogenic SLC22A5 variants T440M (c.1319C>T) and F23del (c.67_69delTTC) that were in compound heterozygous state, indicating that this variant was not a causal variant. In addition, multiple clinical laboratories have classified this variant as benign. Taken together, this variant has been classified as Benign.

GeneDx
Classification: Benign. Last evaluated: 2013-05-29. Review status: criteria provided, single submitter. Criteria: GeneDx Variant Classification (06012015). Collection method: clinical testing. Allele origin: germline. Affected: yes.
Comment: This variant is considered likely benign or benign based on one or more of the following criteria: it is a conservative change, it occurs at a poorly conserved position in the protein, it is predicted to be benign by multiple in silico algorithms, and/or has population frequency not consistent with disease.

Literature cited by the submitters: PubMed 23757202 (cited by Phosphorus, Inc.); PubMed 16830263 (cited by Women's Health and Genetics/Laboratory Corporation of America, LabCorp).

NM_003060.4(SLC22A5):c.652+6=

Gene: SLC22A5 (solute carrier family 22 member 5; plus strand). Cytogenetic location: 5q31.1.
Variant type: single nucleotide variant.
Coding change: c.652+6= on transcript NM_003060.4 (MANE Select); 6 bases into the intron after coding-DNA position 652, no change from the reference sequence.
Molecular consequence: intron variant.
Genome position: GRCh38 VCF-style: chr5-132384307-G-G. GRCh37 (hg19) VCF-style: chr5-131719999-A-G.
Other names: c.724+6A>G (NM_001308122.1); c.724+6= (NM_001308122.2).
Identifiers: ClinVar variation 25382 (VCV000025382.29), dbSNP rs4551059.